The following is an entry in ClinVar:

ClinVar aggregate classification (germline): Uncertain significance (1 of 4 stars; one submission).

Conditions:
Hypertrophic cardiomyopathy 14. Identifiers: MedGen C2750467, MONDO:0013197, OMIM 613251.

Allele frequency attached by ClinVar (database versions not stated): gnomAD exomes 0.00001; TOPMed 0.00001; gnomAD 0.00002.

Submission:

Labcorp Genetics (formerly Invitae), Labcorp
Classification: Uncertain significance for Hypertrophic cardiomyopathy 14. Last evaluated: 2022-08-20. Review status: criteria provided, single submitter. Criteria: Invitae Variant Classification Sherloc (09022015). Collection method: clinical testing. Allele origin: germline.
Comment: In summary, the available evidence is currently insufficient to determine the role of this variant in disease. Therefore, it has been classified as a Variant of Uncertain Significance. This variant has not been reported in the literature in individuals affected with MYH6-related conditions. This variant is not present in population databases (gnomAD no frequency). This sequence change creates a premature translational stop signal (p.Asn1113Lysfs*54) in the MYH6 gene. It is expected to result in an absent or disrupted protein product. However, the current clinical and genetic evidence is not sufficient to establish whether loss-of-function variants in MYH6 cause disease.

NM_002471.4(MYH6):c.3334_3335dup (p.Asn1113fs)

Gene: MYH6 (myosin heavy chain 6; minus strand). Cytogenetic location: 14q11.2.
Variant type: Duplication.
Coding change: c.3334_3335dup on transcript NM_002471.4 (MANE Select); coding-DNA positions 3334 to 3335, 2 bases duplicated (GA; older notation c.3334_3335dupGA).
Protein change: p.Asn1113fs; shifts the reading frame from asparagine 1113.
Molecular consequence: frameshift variant.
Genome position (GRCh38, 1-based): chr14:23,392,569-23,392,570, TC duplicated on the plus strand (GA on the coding strand, the reverse complement: MYH6 is on the minus strand). VCF-style (leftmost placement, unchanged base first): chr14-23392568-T-TTC. GRCh37 (hg19) VCF-style: chr14-23861777-T-TTC.
Other names: short protein forms N1113fs.
Identifiers: ClinVar variation 2169317 (VCV002169317.4), dbSNP rs1346062941, ClinGen allele CA704269575.
Genomic context (GRCh38, chr14:23,392,568, plus strand): 5'-AGTTACCTCAGGGCTATTGAGCTCCCACTTTCATGCACTGGGAAAAAAAGTCACCTGGTT[T>TTC]TCCTTCAGTTTCTTCTGTAGTTGAAGGGCCAGCACCTGCTCATCCTCAATCTTACTGTTC-3'